The following is an entry in ClinVar:

NM_005045.4(RELN):c.2781G>A (p.Met927Ile)

Gene: RELN (reelin; minus strand). Cytogenetic location: 7q22.1.
Variant type: single nucleotide variant.
Coding change: c.2781G>A on transcript NM_005045.4 (MANE Select); coding-DNA position 2781, G replaced by A.
Protein change: p.Met927Ile; replaces methionine 927 with isoleucine.
Molecular consequence: missense variant.
Genome position (GRCh38, 1-based): chr7:103,611,725, C>T on the plus strand (G>A on the coding strand, the complement: RELN is on the minus strand). VCF-style: chr7-103611725-C-T. GRCh37 (hg19) VCF-style: chr7-103252172-C-T.
Other names: c.2781G>A, p.Met927Ile (NM_173054.3); short protein forms M927I.
Identifiers: ClinVar variation 4281009 (VCV004281009.7).

ClinVar aggregate classification (germline): Uncertain significance (1 of 4 stars; one submission).

gnomAD v4.1: 1 of 1,613,784 alleles (0.000062%); highest among the groups gnomAD compares: Non-Finnish European, 0.000085%; no homozygotes.

Submission:

CeGaT Center for Human Genetics Tuebingen
Classification: Uncertain significance. Last evaluated: 2025-09-01. Review status: criteria provided, single submitter. Criteria: CeGaT Center For Human Genetics Tuebingen Variant Classification Criteria Version 2. Collection method: clinical testing. Allele origin: germline. Affected: yes. Observed: 1 variant allele.
Comment: RELN: PM2